The following is an entry in ClinVar:

NM_001042492.3(NF1):c.3695del (p.Pro1232fs)

Gene: NF1 (neurofibromin 1; plus strand). Cytogenetic location: 17q11.2.
Variant type: Deletion.
Coding change: c.3695del on transcript NM_001042492.3 (MANE Select); coding-DNA position 3695, one base deleted (C; older notation c.3695delC).
Protein change: p.Pro1232fs; shifts the reading frame from proline 1232.
Molecular consequence: frameshift variant.
Genome position (GRCh38, 1-based): chr17:31,233,200, C deleted; the last of 2 consecutive C bases (chr17:31,233,199-31,233,200); deleting either gives the same sequence. VCF-style (leftmost placement, unchanged base first): chr17-31233198-TC-T. GRCh37 (hg19) VCF-style: chr17-29560216-TC-T.
Other names: c.3695delC (NM_000267.3); c.3695delC, p.Pro1232Leufs (NM_000267.4); short protein forms P1232fs.
Identifiers: ClinVar variation 574642 (VCV000574642.5), dbSNP rs1567851532, ClinGen allele CA891843819.

ClinVar aggregate classification (germline): Pathogenic (1 of 4 stars; one submission).

Conditions:
Neurofibromatosis, type 1 (NF1). Also called: Peripheral type neurofibromatosis; VON RECKLINGHAUSEN DISEASE; Neurofibromatosis, type I; NEUROFIBROMATOSIS, TYPE I, SOMATIC. Identifiers: Orphanet 636, MedGen C0027831, MONDO:0018975, OMIM 162200. Disease mechanism: loss of function.

Submission:

Labcorp Genetics (formerly Invitae), Labcorp
Classification: Pathogenic for Neurofibromatosis, type 1. Last evaluated: 2018-05-02. Review status: criteria provided, single submitter. Criteria: Invitae Variant Classification Sherloc (09022015). Collection method: clinical testing. Allele origin: germline.
Comment: Loss-of-function variants in NF1 are known to be pathogenic (PMID: 10712197, 23913538). For these reasons, this variant has been classified as Pathogenic. This variant has not been reported in the literature in individuals with NF1-related disease. This variant is not present in population databases (ExAC no frequency). This sequence change creates a premature translational stop signal (p.Pro1232Leufs*8) in the NF1 gene. It is expected to result in an absent or disrupted protein product.

Literature cited by the submitters: PubMed 10712197; PubMed 23913538.